The following is an entry in ClinVar:

ClinVar aggregate classification (germline): Uncertain significance. Review status: criteria provided, multiple submitters, no conflicts (2 of 4 stars). 2 submissions from 2 submitters: Uncertain significance (2). Last evaluated 2025-06-29.

Conditions:
MYH6-related disorder. Also called: MYH6-related condition; MYH6-Related Disorders.
Hypertrophic cardiomyopathy 14. Identifiers: MedGen C2750467, MONDO:0013197, OMIM 613251.

Allele frequency attached by ClinVar (database versions not stated): gnomAD 0.00001; gnomAD exomes 0.00002; TOPMed 0.00002.

Submissions (2):

Labcorp Genetics (formerly Invitae), Labcorp
Classification: Uncertain significance for Hypertrophic cardiomyopathy 14. Last evaluated: 2025-06-29. Review status: criteria provided, single submitter. Criteria: Invitae Variant Classification Sherloc (09022015). Collection method: clinical testing. Allele origin: germline.
Comment: This sequence change replaces aspartic acid, which is acidic and polar, with asparagine, which is neutral and polar, at codon 555 of the MYH6 protein (p.Asp555Asn). This variant is present in population databases (rs730880149, gnomAD 0.005%). This missense change has been observed in individual(s) with hypertrophic cardiomyopathy or dilated cardiomyopathy (PMID: 31983221, 33658040). ClinVar contains an entry for this variant (Variation ID: 180422). Invitae Evidence Modeling of protein sequence and biophysical properties (such as structural, functional, and spatial information, amino acid conservation, physicochemical variation, residue mobility, and thermodynamic stability) indicates that this missense variant is not expected to disrupt MYH6 protein function with a negative predictive value of 80%. In summary, the available evidence is currently insufficient to determine the role of this variant in disease. Therefore, it has been classified as a Variant of Uncertain Significance.

PreventionGenetics, part of Exact Sciences
Classification: Uncertain significance for MYH6-related condition. Last evaluated: 2025-03-19. Review status: criteria provided, single submitter. Criteria: ACMG Guidelines, 2015. Collection method: clinical testing. Allele origin: germline.
Comment: The MYH6 c.1663G>A variant is predicted to result in the amino acid substitution p.Asp555Asn. This variant has been reported in individuals with dilated cardiomyopathy (Supplemental Table 3, Mazzarotto et al. 2020. PubMed ID: 31983221) and hypertrophic cardiomyopathy (Table S1, YMC-70, Chung et al. 2021. PubMed ID: 33658040). This variant is reported in 0.010% of alleles in individuals of East Asian descent in gnomAD. At this time, the clinical significance of this variant is uncertain due to the absence of conclusive functional and genetic evidence.

Literature cited by the submitters: PubMed 31983221 (cited by Labcorp Genetics (formerly Invitae), Labcorp); PubMed 33658040 (cited by Labcorp Genetics (formerly Invitae), Labcorp).

NM_002471.4(MYH6):c.1663G>A (p.Asp555Asn)

Gene: MYH6 (myosin heavy chain 6; minus strand). Cytogenetic location: 14q11.2.
Variant type: single nucleotide variant.
Coding change: c.1663G>A on transcript NM_002471.4 (MANE Select); coding-DNA position 1663, G replaced by A.
Protein change: p.Asp555Asn; replaces aspartic acid 555 with asparagine.
Molecular consequence: missense variant.
Genome position (GRCh38, 1-based): chr14:23,398,956, C>T on the plus strand (G>A on the coding strand, the complement: MYH6 is on the minus strand). VCF-style: chr14-23398956-C-T. GRCh37 (hg19) VCF-style: chr14-23868165-C-T.
Other names: short protein forms D555N.
Identifiers: ClinVar variation 180422 (VCV000180422.4), dbSNP rs730880149, ClinGen allele CA346477.